The following is an entry in ClinVar:

NM_006073.4(TRDN):c.231A>G (p.Ser77=)

Gene: TRDN (triadin; minus strand). Cytogenetic location: 6q22.31.
Variant type: single nucleotide variant.
Coding change: c.231A>G on transcript NM_006073.4 (MANE Select); coding-DNA position 231, A replaced by G.
Protein change: p.Ser77=; no amino-acid change (serine 77 retained).
Molecular consequence: synonymous variant.
Genome position (GRCh38, 1-based): chr6:123,570,924, T>C on the plus strand (A>G on the coding strand, the complement: TRDN is on the minus strand). VCF-style: chr6-123570924-T-C. GRCh37 (hg19) VCF-style: chr6-123892069-T-C.
Other names: c.231A>G, p.Ser77= (NM_001251987.2, NM_001256020.2, NM_001256021.2 and 1 more transcripts).
Identifiers: ClinVar variation 1522980 (VCV001522980.9), dbSNP rs2114537218, ClinGen allele CA452064115.
Genomic context (GRCh38, chr6:123,570,924, plus strand): 5'-CACTGTTTCTTTCCATTTGAATTAATTTTAATTTTAAAGCCAAATTTTATGGAACTTACC[T>C]GAAAAGTTTTTGTAATCCACTAAATCAAACATAACGATGGCAACAGCTGACCACGTGATT-3'
Protein context (NP_006064.2, residues 67-87): MFDLVDYKNF[Ser77=]ASSIAKIGSD

ClinVar aggregate classification (germline): Uncertain significance (1 of 4 stars; one submission).

Conditions:
Catecholaminergic polymorphic ventricular tachycardia 1. Also called: VENTRICULAR TACHYCARDIA, STRESS-INDUCED POLYMORPHIC 1; VENTRICULAR TACHYCARDIA, CATECHOLAMINERGIC POLYMORPHIC, 1, WITH OR WITHOUT ATRIAL DYSFUNCTION AND/OR DILATED CARDIOMYOPATHY; RYR2-Related Catecholaminergic Polymorphic Ventricular Tachycardia. Identifiers: Orphanet 3286, MedGen C1631597, MONDO:0011484, OMIM 604772.

Submission:

Labcorp Genetics (formerly Invitae), Labcorp
Classification: Uncertain significance for Catecholaminergic polymorphic ventricular tachycardia 1. Last evaluated: 2021-04-04. Review status: criteria provided, single submitter. Criteria: Invitae Variant Classification Sherloc (09022015). Collection method: clinical testing. Allele origin: germline.
Comment: This sequence change affects codon 77 of the TRDN mRNA. It is a 'silent' change, meaning that it does not change the encoded amino acid sequence of the TRDN protein. In summary, the available evidence is currently insufficient to determine the role of this variant in disease. Therefore, it has been classified as a Variant of Uncertain Significance. Algorithms developed to predict the effect of sequence changes on RNA splicing suggest that this variant is not likely to affect RNA splicing, but this prediction has not been confirmed by published transcriptional studies. This variant has not been reported in the literature in individuals with TRDN-related conditions. This variant is not present in population databases (ExAC no frequency).